The following is an entry in ClinVar:

ClinVar aggregate classification (germline): Pathogenic. Review status: criteria provided, multiple submitters, no conflicts (2 of 4 stars). 13 submissions from 13 submitters: Pathogenic (11). 2 of the submissions do not count toward it. Last evaluated 2025-10-21.

Conditions:
CEP290-related ciliopathy. Also called: CEP290 ciliopathy. Identifiers: MedGen CN305601, MONDO:0100451.
Encephalocele. Also called: Bifid cranium; Cranial meningoencephalocele; Craniocele. Identifiers: MedGen C4551722, HP:0002084.
Polycystic kidney disease. Also called: Polycystic kidney dysplasia; Kidney, Polycystic. Identifiers: MedGen C0022680, MeSH D007690, MONDO:0020642, HP:0000113.
Severe hydrocephalus. Identifiers: MedGen C3278123, HP:0006882.
CEP290-related disorder. Also called: CEP290-related disorders; CEP290-related condition. Identifiers: MedGen CN239314.
Nephronophthisis. Also called: Juvenile Nephronophthisis. Identifiers: Orphanet 655, MedGen C0687120, MONDO:0019005, HP:0000090.
Joubert syndrome. Also called: JOUBERT-BOLTSHAUSER SYNDROME; Familial aplasia of the vermis. Identifiers: Orphanet 475, MedGen C5979921, MONDO:0018772.
Meckel-Gruber syndrome. Also called: DYSENCEPHALIA SPLANCHNOCYSTICA; GRUBER SYNDROME; Dysencephalia splachnocystica. Identifiers: Orphanet 564, MedGen C0265215, MONDO:0018921.
Retinal dystrophy. Also called: Inherited retinal dystrophy. Identifiers: Orphanet 71862, MedGen C0854723, MeSH D058499, MONDO:0019118, HP:0000556.
Bardet-Biedl syndrome 14 (BBS14). Identifiers: Orphanet 110, MedGen C2673874, MONDO:0014442, OMIM 615991.
Leber congenital amaurosis 10 (LCA10). Identifiers: Orphanet 65, MedGen C1857821, MONDO:0012723, OMIM 611755.
Joubert syndrome 5 (JBTS5). Identifiers: Orphanet 2318, MedGen C1857780, MONDO:0012432, OMIM 610188.
Meckel syndrome, type 4 (MKS4). Also called: MECKEL-GRUBER SYNDROME, TYPE 4. Identifiers: Orphanet 564, MedGen C1970161, MONDO:0012626, OMIM 611134.
Senior-Loken syndrome 6 (SLSN6). Identifiers: Orphanet 3156, MedGen C1857779, MONDO:0012433, OMIM 610189.
Leber congenital amaurosis (LCA). Also called: Leber's amaurosis. Identifiers: Orphanet 65, MedGen C0339527, MeSH D057130, MONDO:0018998.

Allele frequency attached by ClinVar (database versions not stated): gnomAD 0.00001; TOPMed 0.00001.
gnomAD v4.1: 17 of 1,607,130 alleles (0.0011%); highest among the groups gnomAD compares: East Asian, 0.009%; no homozygotes.

Submissions (13):

Natera, Inc.
Classification: Pathogenic for Leber congenital amaurosis. Last evaluated: 2025-10-21. Review status: criteria provided, single submitter. Criteria: Natera Variant Classification Schema (03/2026). Collection method: clinical testing. Allele origin: germline.
Comment: The c.613C>T variant in CEP290 is a nonsense variant predicted to introduce a stop codon at amino acid 205. This variant is expected to result in nonsense mediated decay, truncation, or a dysfunctional protein product. This variant is rare in the general population with a frequency below the threshold expected for the associated phenotype(s). This variant has been observed in one or more individuals affected with the associated recessive disease, as either homozygous or compound heterozygous with a second variant (PMID: 17564974, 31680349). Additionally, this variant has been observed to segregate in affected family members (PMID: 31680349). Given the available evidence, this variant is classified as Pathogenic.

Myriad Genetics, Inc.
Classification: Pathogenic for CEP290-related ciliopathy. Last evaluated: 2024-06-29. Review status: criteria provided, single submitter. Criteria: Myriad Autosomal Dominant, Autosomal Recessive and X-Linked Classification Criteria (2023). Collection method: clinical testing. Allele origin: unknown.
Comment: NM_025114.3(CEP290):c.613C>T(R205*) is expected to be pathogenic in the context of CEP290-related disorders. This variant is predicted to lead to an abnormal or absent protein product due to the creation of a premature termination codon in CEP290, a gene where loss-of-function variants are known to be pathogenic. Please note: this variant was assessed in the context of healthy population screening.

Fulgent Genetics
Classification: Pathogenic for Joubert syndrome 5; Senior-Loken syndrome 6; Meckel syndrome, type 4; Leber congenital amaurosis 10; Bardet-Biedl syndrome 14. Last evaluated: 2024-01-07. Review status: criteria provided, single submitter. Criteria: ACMG Guidelines, 2015. Collection method: clinical testing. Allele origin: germline.

Labcorp Genetics (formerly Invitae), Labcorp
Classification: Pathogenic for Joubert syndrome; Meckel-Gruber syndrome; Nephronophthisis. Last evaluated: 2023-11-09. Review status: criteria provided, single submitter. Criteria: Invitae Variant Classification Sherloc (09022015). Collection method: clinical testing. Allele origin: germline.
Comment: This sequence change creates a premature translational stop signal (p.Arg205*) in the CEP290 gene. It is expected to result in an absent or disrupted protein product. Loss-of-function variants in CEP290 are known to be pathogenic (PMID: 16909394, 17345604, 20690115). The frequency data for this variant in the population databases is considered unreliable, as metrics indicate poor data quality at this position in the gnomAD database. This premature translational stop signal has been observed in individual(s) with Meckel syndrome (PMID: 17564974). ClinVar contains an entry for this variant (Variation ID: 1342). For these reasons, this variant has been classified as Pathogenic.

Dept Of Ophthalmology, Nagoya University
Classification: Pathogenic for Retinal dystrophy. Last evaluated: 2023-10-01. Review status: criteria provided, single submitter. Criteria: Submitter's publication. Collection method: research. Allele origin: germline. Affected: yes.

Baylor Genetics
Classification: Pathogenic for Bardet-Biedl syndrome 14. Last evaluated: 2023-08-21. Review status: criteria provided, single submitter. Criteria: ACMG Guidelines, 2015. Collection method: clinical testing. Allele origin: unknown.

Blueprint Genetics
Classification: Pathogenic for CEP290-related disorders. Last evaluated: 2022-12-13. Review status: criteria provided, single submitter. Criteria: ACMG Guidelines, 2015. Collection method: clinical testing. Allele origin: germline. Affected: yes. Observed: 2 variant alleles.

Ocular Genomics Institute, Massachusetts Eye and Ear
Classification: Pathogenic for Leber congenital amaurosis 10. Last evaluated: 2021-04-08. Review status: criteria provided, single submitter. Criteria: ACMG Guidelines, 2015. Collection method: research. Allele origin: germline. Affected: yes.
Comment: Through a review of available evidence we were able to apply the following criteria: PVS1, PM2, PM3. Based on this evidence we have classified this variant as Pathogenic.

Revvity Omics, Revvity
Classification: Pathogenic. Last evaluated: 2020-09-11. Review status: criteria provided, single submitter. Criteria: ACMG Guidelines, 2015. Collection method: clinical testing. Allele origin: germline.

Center for Reproductive Medicine, Peking University Third Hospital
Classification: Pathogenic for Encephalocele; Severe hydrocephalus; Polycystic kidney disease. Last evaluated: 2019-10-16. Review status: criteria provided, single submitter. Criteria: ACMG Guidelines, 2015. Collection method: clinical testing. Allele origin: germline. Affected: yes.

Kariminejad - Najmabadi Pathology & Genetics Center
Classification: Pathogenic for Leber congenital amaurosis 10. Review status: criteria provided, single submitter. Criteria: ACMG Guidelines, 2015. Collection method: clinical testing. Allele origin: germline. Affected: no.

PreventionGenetics, part of Exact Sciences
Classification: Pathogenic for CEP290-related condition. Last evaluated: 2024-05-14. Review status: no assertion criteria provided. Collection method: clinical testing. Allele origin: germline. Not counted in ClinVar's aggregate classification.
Comment: The CEP290 c.613C>T variant is predicted to result in premature protein termination (p.Arg205*). This variant has been well-documented to be pathogenic for Meckel syndrome (Baala et al. 2007. PubMed ID: 17564974; Frank et al. 2008. PubMed ID: 17705300; Shaheen et al. 2016. PubMed ID: 27894351; Guo et al. 2019. PubMed ID: 31680349). This variant is reported in 0.00090% of alleles in individuals of European (Non-Finnish) descent in gnomAD. Nonsense variants in CEP290 are expected to be pathogenic. This variant is interpreted as pathogenic.

OMIM
Classification: Pathogenic for MECKEL SYNDROME, TYPE 4. Last evaluated: 2007-07-01. Review status: no assertion criteria provided. Collection method: literature only. Allele origin: germline. Not counted in ClinVar's aggregate classification.

Literature cited by the submitters: PubMed 17564974 (cited by 4 submitters); PubMed 31680349 (cited by 3 submitters); PubMed 16909394 (cited by Labcorp Genetics (formerly Invitae), Labcorp); PubMed 17345604 (cited by Labcorp Genetics (formerly Invitae), Labcorp); PubMed 20690115 (cited by Labcorp Genetics (formerly Invitae), Labcorp); PubMed 25525159 (cited by Ocular Genomics Institute, Massachusetts Eye and Ear); PubMed 27894351 (cited by Ocular Genomics Institute, Massachusetts Eye and Ear); PubMed 17705300 (cited by Center for Reproductive Medicine, Peking University Third Hospital).

NM_025114.4(CEP290):c.613C>T (p.Arg205Ter)

Gene: CEP290 (centrosomal protein 290; minus strand). Cytogenetic location: 12q21.32.
Variant type: single nucleotide variant.
Coding change: c.613C>T on transcript NM_025114.4 (MANE Select); coding-DNA position 613, C replaced by T.
Protein change: p.Arg205Ter; replaces arginine 205 with a stop codon.
Molecular consequence: nonsense.
Genome position (GRCh38, 1-based): chr12:88,130,324, G>A on the plus strand (C>T on the coding strand, the complement: CEP290 is on the minus strand). VCF-style: chr12-88130324-G-A. GRCh37 (hg19) VCF-style: chr12-88524101-G-A.
Other names: short protein forms R205*.
Identifiers: ClinVar variation 1342 (VCV000001342.26), dbSNP rs137852835, ClinGen allele CA114937.
Genomic context (GRCh38, chr12:88,130,324, plus strand): 5'-TTACCTGAATTTCATCAAGATATTGGATAAGCTCATAGTTTTTTTTAGACAACTGTGATC[G>A]GTAGTCACTGTCTTCCCCTCTTCTTGATAAAAGTGTTTCTTTCTGTGAATCTATTTGTTT-3'